The following is an entry in ClinVar:

NM_006662.3(SRCAP):c.8512G>A (p.Gly2838Ser)

Gene: SRCAP (Snf2 related CREBBP activator protein; plus strand). Cytogenetic location: 16p11.2.
Variant type: single nucleotide variant.
Coding change: c.8512G>A on transcript NM_006662.3 (MANE Select); coding-DNA position 8512, G replaced by A.
Protein change: p.Gly2838Ser; replaces glycine 2838 with serine.
Molecular consequence: missense variant.
Genome position (GRCh38, 1-based): chr16:30,738,552, G>A. VCF-style: chr16-30738552-G-A. GRCh37 (hg19) VCF-style: chr16-30749873-G-A.
Other names: short protein forms G2838S.
Identifiers: ClinVar variation 4781125 (VCV004781125.1).

ClinVar aggregate classification (germline): Uncertain significance (1 of 4 stars; one submission).

gnomAD v4.1: 2 of 1,611,334 alleles (0.00012%); highest among the groups gnomAD compares: Admixed American, 0.0034%; no homozygotes.

Submission:

Labcorp Genetics (formerly Invitae), Labcorp
Classification: Uncertain significance. Last evaluated: 2025-04-23. Review status: criteria provided, single submitter. Criteria: Invitae Variant Classification Sherloc (09022015). Collection method: clinical testing. Allele origin: germline.
Comment: This sequence change replaces glycine, which is neutral and non-polar, with serine, which is neutral and polar, at codon 2838 of the SRCAP protein (p.Gly2838Ser). This variant is not present in population databases (gnomAD no frequency). This variant has not been reported in the literature in individuals affected with SRCAP-related conditions. Invitae Evidence Modeling of protein sequence and biophysical properties (such as structural, functional, and spatial information, amino acid conservation, physicochemical variation, residue mobility, and thermodynamic stability) indicates that this missense variant is not expected to disrupt SRCAP protein function with a negative predictive value of 80%. In summary, the available evidence is currently insufficient to determine the role of this variant in disease. Therefore, it has been classified as a Variant of Uncertain Significance.